The following is an entry in ClinVar:

NM_015175.3(NBEAL2):c.7506del (p.Asp2503fs)

Gene: NBEAL2 (neurobeachin like 2; plus strand). Cytogenetic location: 3p21.31.
Variant type: Deletion.
Coding change: c.7506del on transcript NM_015175.3 (MANE Select); coding-DNA position 7506, one base deleted (T; older notation c.7506delT).
Protein change: p.Asp2503fs; shifts the reading frame from aspartic acid 2503.
Molecular consequence: frameshift variant.
Genome position (GRCh38, 1-based): chr3:47,007,696, T deleted; the last of 2 consecutive T bases (chr3:47,007,695-47,007,696); deleting either gives the same sequence. VCF-style (leftmost placement, unchanged base first): chr3-47007694-CT-C. GRCh37 (hg19) VCF-style: chr3-47049184-CT-C.
Other names: c.7404del, p.Asp2469fs (NM_001365116.2); short protein forms D2469fs, D2503fs.
Identifiers: ClinVar variation 982278 (VCV000982278.1), dbSNP rs2037558268, ClinGen allele CA1139658046.

ClinVar aggregate classification (germline): Pathogenic (1 of 4 stars; one submission).

Conditions:
Gray platelet syndrome (GPS). Also called: BLEEDING DISORDER, PLATELET-TYPE, 4. Identifiers: Orphanet 721, MedGen C0272302, MONDO:0007686, OMIM 139090.

Submission:

NIHR Bioresource Rare Diseases, University of Cambridge
Classification: Pathogenic for Gray platelet syndrome. Last evaluated: 2020-03-01. Review status: criteria provided, single submitter. Criteria: ACMG Guidelines, 2015. Collection method: research. Allele origin: unknown. Inheritance: Autosomal recessive inheritance. Affected: yes. Observed: 1 homozygote.
Comment: ACMG criteria: PVS1, PM2, PM3, PP4

Literature cited by the submitters: PubMed 32693407.